The following is an entry in ClinVar:

NM_001999.4(FBN2):c.3495C>A (p.Asn1165Lys)

Gene: FBN2 (fibrillin 2; minus strand). Cytogenetic location: 5q23.3.
Variant type: single nucleotide variant.
Coding change: c.3495C>A on transcript NM_001999.4 (MANE Select); coding-DNA position 3495, C replaced by A.
Protein change: p.Asn1165Lys; replaces asparagine 1165 with lysine.
Molecular consequence: missense variant.
Genome position (GRCh38, 1-based): chr5:128,338,100, G>T on the plus strand (C>A on the coding strand, the complement: FBN2 is on the minus strand). VCF-style: chr5-128338100-G-T. GRCh37 (hg19) VCF-style: chr5-127673792-G-T.
Other names: short protein forms N1165K.
Identifiers: ClinVar variation 626105 (VCV000626105.3), dbSNP rs774250442, ClinGen allele CA3395210.

ClinVar aggregate classification (germline): Uncertain significance (1 of 4 stars; one submission).

Conditions:
Macular degeneration, early-onset (EOMD). Identifiers: MedGen C4015286, MONDO:0014501, OMIM 616118.
Congenital contractural arachnodactyly (CCA). Also called: BEALS SYNDROME; Beals-Hecht syndrome; Arthrogryposis, distal, type 9. Identifiers: Orphanet 115, MedGen C0220668, MONDO:0007363, OMIM 121050.

Allele frequency attached by ClinVar (database versions not stated): ExAC 0.00001; gnomAD exomes 0.00001.
gnomAD v4.1: 8 of 1,614,044 alleles (0.0005%); highest among the groups gnomAD compares: South Asian, 0.0088%; no homozygotes.

Submission:

Center for Genomics, Ann and Robert H. Lurie Children's Hospital of Chicago
Classification: Uncertain significance for Macular degeneration, early-onset; Congenital contractural arachnodactyly. Review status: criteria provided, single submitter. Criteria: ACMG Guidelines, 2015. Collection method: clinical testing. Allele origin: germline.
Comment: FBN2 NM_001999 exon 27 p.Asn1165Lys (c.3495C>A): This variant has not been reported in the literature but is present in 3/30782 South Asian alleles in the Genome Aggregation Database. Evolutionary conservation and computational predictive tools for this variant are unclear. In summary, data on this variant is insufficient for disease classification. Therefore, the clinical significance of this variant is uncertain.